The following is an entry in ClinVar:

NM_002907.4(RECQL):c.1355+1G>A

Gene: RECQL (RecQ like helicase; minus strand). Cytogenetic location: 12p12.1.
Variant type: single nucleotide variant.
Coding change: c.1355+1G>A on transcript NM_002907.4 (MANE Select); the canonical splice donor site of the intron after coding-DNA position 1355, G replaced by A.
Molecular consequence: splice donor variant.
Genome position (GRCh38, 1-based): chr12:21,474,840, C>T on the plus strand (G>A on the coding strand, the complement: RECQL is on the minus strand). VCF-style: chr12-21474840-C-T. GRCh37 (hg19) VCF-style: chr12-21627774-C-T.
Other names: c.1355+1G>A (NM_032941.3).
Identifiers: ClinVar variation 941522 (VCV000941522.20), dbSNP rs140319286, ClinGen allele CA6478792.

ClinVar aggregate classification (germline): Uncertain significance. Review status: criteria provided, multiple submitters, no conflicts (2 of 4 stars). 4 submissions from 4 submitters: Uncertain significance (4). Last evaluated 2026-01-19.

Conditions:
Familial ovarian cancer. Identifiers: MedGen C5679802, MONDO:0016248.
RECQL-related disorder. Also called: RECQL-related condition.

Allele frequency attached by ClinVar (database versions not stated): gnomAD exomes 0.00003 and 0.00009; gnomAD 0.00006 and 0.00005; TOPMed 0.00007; ESP Exome Variant Server 0.00008; ExAC 0.00004.
gnomAD v4.1: 144 of 1,611,858 alleles (0.0089%); highest among the groups gnomAD compares: Non-Finnish European, 0.011%; no homozygotes.

Submissions (6):

Labcorp Genetics (formerly Invitae), Labcorp
Classification: Uncertain significance. Last evaluated: 2026-01-19. Review status: criteria provided, single submitter. Criteria: Invitae Variant Classification Sherloc (09022015). Collection method: clinical testing. Allele origin: germline.
Comment: This sequence change affects a donor splice site in intron 11 of the RECQL gene. It is expected to disrupt RNA splicing. Variants that disrupt the donor or acceptor splice site typically lead to a loss of protein function (PMID: 16199547), however the current clinical and genetic evidence is not sufficient to establish whether loss-of-function variants in RECQL cause disease. This variant is present in population databases (rs140319286, gnomAD 0.006%). Disruption of this splice site has been observed in individual(s) with breast cancer, endometrial cancer, ovarian cancer, and/or unaffected individuals (PMID: 3022465, 36451132, 36744932). ClinVar contains an entry for this variant (Variation ID: 941522). Algorithms developed to predict the effect of sequence changes on RNA splicing suggest that this variant may disrupt the consensus splice site. In summary, the available evidence is currently insufficient to determine the role of this variant in disease. Therefore, it has been classified as a Variant of Uncertain Significance.

GeneDx
Classification: Uncertain significance. Last evaluated: 2025-08-15. Review status: criteria provided, single submitter. Criteria: GeneDx Variant Classification Process June 2021. Collection method: clinical testing. Allele origin: germline. Affected: yes.
Comment: Canonical splice site variant in a gene or region of a gene for which loss of function is not an established mechanism of disease; Observed in individuals with breast or ovarian cancer (PMID: 29625052, 30224651, 36451132, 36744932, 37886874); Variants in candidate genes are classified as variants of uncertain significance in accordance with ACMG guidelines (PMID: 25741868); This variant is associated with the following publications: (PMID: 32517021, 30224651, 29625052, 36451132, 36744932, 37886874)

PreventionGenetics, part of Exact Sciences
Classification: Uncertain significance for RECQL-related condition. Last evaluated: 2025-01-10. Review status: criteria provided, single submitter. Criteria: ACMG Guidelines, 2015. Collection method: clinical testing. Allele origin: germline.
Comment: The RECQL c.1355+1G>A variant is predicted to disrupt the GT donor site and interfere with normal splicing. This variant is predicted to alter splicing based on available splicing prediction programs (SpliceAI, Jaganathan et al. 2019. PubMed ID: 30661751). However, loss of function is not an established mechanism of RECQL-related disease. This variant has been reported in one individual with breast cancer and in one individual from the control group in a study of breast cancer risk in the Australian population (Li et al. 2018. PubMed ID: 30224651; Debnath et al. 2020. PubMed ID: 32517021). In addition, this variant has been reported in patients with endometrial or ovarian cancers (Table S2A, Huang et al. 2018. PubMed ID: 29625052; Table S2A, Yang et al. 2022. PubMed ID: 36451132; Supplementary Table 1, Gordhandas et al. 2023. PubMed ID: 36744932). This variant is reported in 0.0062% of alleles in individuals of European (Non-Finnish) descent in gnomAD and is reported as a variant of uncertain significance in ClinVar. At this time, the clinical significance of this variant is uncertain due to the absence of conclusive functional and genetic evidence.

Department of Pathology and Laboratory Medicine, Sinai Health System
Classification: Uncertain significance for familial ovarian cancer. Last evaluated: 2023-03-13. Review status: criteria provided, single submitter. Criteria: ACMG Guidelines, 2015. Collection method: clinical testing. Allele origin: germline. Affected: yes.

Dr. Peter K. Rogan Lab, Western University
No classification provided (evidence only). Condition: Ovarian serous cystadenocarcinoma. Review status: no classification provided. Collection method: in vitro. Allele origin: not applicable. Functional consequence: retained intron. Not counted in ClinVar's aggregate classification.

Dr. Peter K. Rogan Lab, Western University
No classification provided (evidence only). Condition: Ovarian serous cystadenocarcinoma. Review status: no classification provided. Collection method: in vitro. Allele origin: not applicable. Functional consequence: retained intron. Not counted in ClinVar's aggregate classification.

Literature cited by the submitters: PubMed 16199547 (cited by Labcorp Genetics (formerly Invitae), Labcorp); PubMed 3022465 (cited by Labcorp Genetics (formerly Invitae), Labcorp); PubMed 36451132 (cited by Labcorp Genetics (formerly Invitae), Labcorp); PubMed 36744932 (cited by Labcorp Genetics (formerly Invitae), Labcorp); PubMed 30224651 (cited by Department of Pathology and Laboratory Medicine, Sinai Health System).